The following is an entry in ClinVar:

NM_032578.4(MYPN):c.1970A>G (p.Lys657Arg)

Gene: MYPN (myopalladin; plus strand). Cytogenetic location: 10q21.3.
Variant type: single nucleotide variant.
Coding change: c.1970A>G on transcript NM_032578.4 (MANE Select); coding-DNA position 1970, A replaced by G.
Protein change: p.Lys657Arg; replaces lysine 657 with arginine.
Molecular consequence: missense variant. On other transcripts: non-coding transcript variant (2).
Genome position (GRCh38, 1-based): chr10:68,166,663, A>G. VCF-style: chr10-68166663-A-G. GRCh37 (hg19) VCF-style: chr10-69926420-A-G.
Other names: c.1970A>G, p.Lys657Arg (NM_001256267.2); c.1088A>G, p.Lys363Arg (NM_001256268.2); c.1970A>G (NM_032578.2); short protein forms K657R, K363R.
Identifiers: ClinVar variation 1368486 (VCV001368486.8), dbSNP rs1283859977, ClinGen allele CA376841161.

ClinVar aggregate classification (germline): Uncertain significance. Review status: criteria provided, multiple submitters, no conflicts (2 of 4 stars). 2 submissions from 2 submitters: Uncertain significance (2). Last evaluated 2024-04-04.

Conditions:
Cardiovascular phenotype. Identifiers: MedGen CN230736.
Dilated cardiomyopathy 1KK (CMD1KK). Identifiers: Orphanet 154, Orphanet 75249, MedGen C3714995, MONDO:0014100, OMIM 615248.

Allele frequency attached by ClinVar (database versions not stated): gnomAD exomes below 0.00001; gnomAD 0.00001.
gnomAD v4.1: 3 of 1,613,792 alleles (0.00019%); highest among the groups gnomAD compares: African/African-American, 0.0027%; no homozygotes.

Submissions (2):

Ambry Genetics
Classification: Uncertain significance for Cardiovascular phenotype. Last evaluated: 2024-04-04. Review status: criteria provided, single submitter. Criteria: Ambry Variant Classification Scheme 2023. Collection method: clinical testing. Allele origin: germline.
Comment: The p.K657R variant (also known as c.1970A>G), located in coding exon 9 of the MYPN gene, results from an A to G substitution at nucleotide position 1970. The lysine at codon 657 is replaced by arginine, an amino acid with highly similar properties. This amino acid position is conserved. In addition, the in silico prediction for this alteration is inconclusive. Based on the available evidence, the clinical significance of this variant remains unclear.

Labcorp Genetics (formerly Invitae), Labcorp
Classification: Uncertain significance for Dilated cardiomyopathy 1KK. Last evaluated: 2021-07-13. Review status: criteria provided, single submitter. Criteria: Invitae Variant Classification Sherloc (09022015). Collection method: clinical testing. Allele origin: germline.
Comment: In summary, the available evidence is currently insufficient to determine the role of this variant in disease. Therefore, it has been classified as a Variant of Uncertain Significance. Algorithms developed to predict the effect of sequence changes on RNA splicing suggest that this variant may create or strengthen a splice site. Algorithms developed to predict the effect of missense changes on protein structure and function are either unavailable or do not agree on the potential impact of this missense change (SIFT: "Tolerated"; PolyPhen-2: "Probably Damaging"; Align-GVGD: "Class C0"). This variant has not been reported in the literature in individuals affected with MYPN-related conditions. This variant is not present in population databases (ExAC no frequency). This sequence change replaces lysine with arginine at codon 657 of the MYPN protein (p.Lys657Arg). The lysine residue is highly conserved and there is a small physicochemical difference between lysine and arginine.